The following is an entry in ClinVar:

NM_000138.5(FBN1):c.5711C>A (p.Thr1904Asn)

Gene: FBN1 (fibrillin 1; minus strand). Cytogenetic location: 15q21.1.
Variant type: single nucleotide variant.
Coding change: c.5711C>A on transcript NM_000138.5 (MANE Select); coding-DNA position 5711, C replaced by A.
Protein change: p.Thr1904Asn; replaces threonine 1904 with asparagine.
Molecular consequence: missense variant.
Genome position (GRCh38, 1-based): chr15:48,446,783, G>T on the plus strand (C>A on the coding strand, the complement: FBN1 is on the minus strand). VCF-style: chr15-48446783-G-T. GRCh37 (hg19) VCF-style: chr15-48738980-G-T.
Other names: c.5711C>A, p.Thr1904Asn (NM_001406716.1); short protein forms T1904N.
Identifiers: ClinVar variation 4792313 (VCV004792313.1).

ClinVar aggregate classification (germline): Uncertain significance (1 of 4 stars; one submission).

Conditions:
Marfan syndrome (MFS). Also called: FBN1-Related Marfan Syndrome; MARFAN SYNDROME, TYPE I; Marfan syndrome type 1; Marfan's syndrome; Marfan syndrome, classic. Identifiers: Orphanet 284963, Orphanet 558, MedGen C0024796, MONDO:0007947, OMIM 154700.
Familial thoracic aortic aneurysm and aortic dissection (TAAD). Also called: Thoracic aortic aneurysms and dissections. Identifiers: Orphanet 91387, MedGen C4707243, MONDO:0019625.

Submission:

Labcorp Genetics (formerly Invitae), Labcorp
Classification: Uncertain significance for Marfan syndrome; Familial thoracic aortic aneurysm and aortic dissection. Last evaluated: 2025-08-29. Review status: criteria provided, single submitter. Criteria: Invitae Variant Classification Sherloc (09022015). Collection method: clinical testing. Allele origin: germline.
Comment: This sequence change replaces threonine, which is neutral and polar, with asparagine, which is neutral and polar, at codon 1904 of the FBN1 protein (p.Thr1904Asn). This variant is not present in population databases (gnomAD no frequency). This variant has not been reported in the literature in individuals affected with FBN1-related conditions. Invitae Evidence Modeling of protein sequence and biophysical properties (such as structural, functional, and spatial information, amino acid conservation, physicochemical variation, residue mobility, and thermodynamic stability) indicates that this missense variant is expected to disrupt FBN1 protein function with a positive predictive value of 95%. In summary, the available evidence is currently insufficient to determine the role of this variant in disease. Therefore, it has been classified as a Variant of Uncertain Significance.